The following is an entry in ClinVar:

NM_023110.3(FGFR1):c.1771C>A (p.Pro591Thr)

Gene: FGFR1 (fibroblast growth factor receptor 1; minus strand). Cytogenetic location: 8p11.23.
Variant type: single nucleotide variant.
Coding change: c.1771C>A on transcript NM_023110.3 (MANE Select); coding-DNA position 1771, C replaced by A.
Protein change: p.Pro591Thr; replaces proline 591 with threonine.
Molecular consequence: missense variant.
Genome position (GRCh38, 1-based): chr8:38,415,953, G>T on the plus strand (C>A on the coding strand, the complement: FGFR1 is on the minus strand). VCF-style: chr8-38415953-G-T. GRCh37 (hg19) VCF-style: chr8-38273471-G-T.
Other names: c.1765C>A, p.Pro589Thr (NM_001174063.2, NM_001174065.2, NM_001354367.2 and 1 more transcripts); c.1741C>A, p.Pro581Thr (NM_001174064.2); c.1504C>A, p.Pro502Thr (NM_001174066.2, NM_023105.3); c.1864C>A, p.Pro622Thr (NM_001174067.2); c.1492C>A, p.Pro498Thr (NM_001354368.2); c.1759C>A, p.Pro587Thr (NM_001354369.2); c.1498C>A, p.Pro500Thr (NM_001354370.2, NM_023106.3); short protein forms P581T, P498T, P589T, P587T, P591T, P622T, P500T, P502T.
Identifiers: ClinVar variation 1386851 (VCV001386851.6), dbSNP rs2150585866, ClinGen allele CA370731696.

ClinVar aggregate classification (germline): Uncertain significance (1 of 4 stars; one submission).

Conditions:
Pfeiffer syndrome (ACS5). Also called: ACS V. Identifiers: Orphanet 710, MedGen C0220658, MONDO:0007043, OMIM 101600.
Hypogonadotropic hypogonadism 2 with or without anosmia (HH2). Also called: FGFR1-Related GnRH Deficiency (Kallmann Syndrome 2); HYPOGONADOTROPIC HYPOGONADISM 2 WITH OR WITHOUT ANOSMIA, SUSCEPTIBILITY TO; HYPOGONADOTROPIC HYPOGONADISM 2 WITHOUT ANOSMIA, SUSCEPTIBILITY TO; HYPOGONADOTROPIC HYPOGONADISM 2 WITHOUT ANOSMIA. Identifiers: Orphanet 478, MedGen C1563720, MONDO:0007844, OMIM 147950. Disease mechanism: loss of function.

gnomAD v4.1: 2 of 1,614,098 alleles (0.00012%); highest among the groups gnomAD compares: South Asian, 0.0022%; no homozygotes.

Submission:

Labcorp Genetics (formerly Invitae), Labcorp
Classification: Uncertain significance for Pfeiffer syndrome; Hypogonadotropic hypogonadism 2 with or without anosmia. Last evaluated: 2021-12-27. Review status: criteria provided, single submitter. Criteria: Invitae Variant Classification Sherloc (09022015). Collection method: clinical testing. Allele origin: germline.
Comment: Algorithms developed to predict the effect of missense changes on protein structure and function are either unavailable or do not agree on the potential impact of this missense change (SIFT: "Deleterious"; PolyPhen-2: "Benign"; Align-GVGD: "Class C0"). In summary, the available evidence is currently insufficient to determine the role of this variant in disease. Therefore, it has been classified as a Variant of Uncertain Significance. This variant has not been reported in the literature in individuals affected with FGFR1-related conditions. This variant is not present in population databases (gnomAD no frequency). This sequence change replaces proline, which is neutral and non-polar, with threonine, which is neutral and polar, at codon 591 of the FGFR1 protein (p.Pro591Thr).